The following is an entry in ClinVar:

NM_005236.3(ERCC4):c.2244G>A (p.Met748Ile)

Gene: ERCC4 (ERCC excision repair 4, endonuclease catalytic subunit; plus strand). Cytogenetic location: 16p13.12.
Variant type: single nucleotide variant.
Coding change: c.2244G>A on transcript NM_005236.3 (MANE Select); coding-DNA position 2244, G replaced by A.
Protein change: p.Met748Ile; replaces methionine 748 with isoleucine.
Molecular consequence: missense variant.
Genome position (GRCh38, 1-based): chr16:13,947,840, G>A. VCF-style: chr16-13947840-G-A. GRCh37 (hg19) VCF-style: chr16-14041697-G-A.
Other names: short protein forms M748I.
Identifiers: ClinVar variation 3748516 (VCV003748516.2).

ClinVar aggregate classification (germline): Uncertain significance (1 of 4 stars; one submission).

Conditions:
Cockayne syndrome. Identifiers: Orphanet 191, MedGen C0009207, MONDO:0016006.
Fanconi anemia complementation group Q. Identifiers: Orphanet 84, MedGen C3808988, MONDO:0014108, OMIM 615272.
Xeroderma pigmentosum, group F (XPF). Also called: ERCC4-Related Xeroderma Pigmentosum; XERODERMA PIGMENTOSUM, TYPE F; Xeroderma pigmentosum, type 6; XERODERMA PIGMENTOSUM, COMPLEMENTATION GROUP F; XERODERMA PIGMENTOSUM VI; XP, GROUP F. Identifiers: MedGen C0268140, MONDO:0010215, OMIM 278760.

gnomAD v4.1: 1 of 1,614,142 alleles (0.000062%); highest among the groups gnomAD compares: Non-Finnish European, 0.000085%; no homozygotes.

Submission:

Labcorp Genetics (formerly Invitae), Labcorp
Classification: Uncertain significance for Fanconi anemia complementation group Q; Xeroderma pigmentosum, group F; Cockayne syndrome. Last evaluated: 2025-10-27. Review status: criteria provided, single submitter. Criteria: Invitae Variant Classification Sherloc (09022015). Collection method: clinical testing. Allele origin: germline.
Comment: This sequence change replaces methionine, which is neutral and non-polar, with isoleucine, which is neutral and non-polar, at codon 748 of the ERCC4 protein (p.Met748Ile). This variant is not present in population databases (gnomAD no frequency). This variant has not been reported in the literature in individuals affected with ERCC4-related conditions. ClinVar contains an entry for this variant (Variation ID: 3748516). Invitae Evidence Modeling of protein sequence and biophysical properties (such as structural, functional, and spatial information, amino acid conservation, physicochemical variation, residue mobility, and thermodynamic stability) indicates that this missense variant is expected to disrupt ERCC4 protein function with a positive predictive value of 80%. In summary, the available evidence is currently insufficient to determine the role of this variant in disease. Therefore, it has been classified as a Variant of Uncertain Significance.